The following is an entry in ClinVar:

ClinVar aggregate classification (germline): Likely benign. Review status: criteria provided, multiple submitters, no conflicts (2 of 4 stars). 3 submissions from 3 submitters: Likely benign (2). 1 of the submissions does not count toward it. Last evaluated 2025-05-04.

Conditions:
COL9A3-related disorder. Also called: COL9A3-related condition.

Allele frequency attached by ClinVar (database versions not stated): gnomAD 0.00001; gnomAD exomes 0.00001; TOPMed 0.00001.

Submissions (3):

Labcorp Genetics (formerly Invitae), Labcorp
Classification: Likely benign. Last evaluated: 2025-05-04. Review status: criteria provided, single submitter. Criteria: Invitae Variant Classification Sherloc (09022015). Collection method: clinical testing. Allele origin: germline.

Blueprint Genetics
Classification: Likely benign. Last evaluated: 2024-11-18. Review status: criteria provided, single submitter. Criteria: ACMG Guidelines, 2015. Collection method: clinical testing. Allele origin: germline.

PreventionGenetics, part of Exact Sciences
Classification: Likely benign for COL9A3-related condition. Last evaluated: 2024-08-13. Review status: no assertion criteria provided. Collection method: clinical testing. Allele origin: germline. Not counted in ClinVar's aggregate classification.
Comment: This variant is classified as likely benign based on ACMG/AMP sequence variant interpretation guidelines (Richards et al. 2015 PMID: 25741868, with internal and published modifications).

NM_001853.4(COL9A3):c.1797T>G (p.Gly599=)

Gene: COL9A3 (collagen type IX alpha 3 chain; plus strand). Cytogenetic location: 20q13.33.
Variant type: single nucleotide variant.
Coding change: c.1797T>G on transcript NM_001853.4 (MANE Select); coding-DNA position 1797, T replaced by G.
Protein change: p.Gly599=; no amino-acid change (glycine 599 retained).
Molecular consequence: synonymous variant.
Genome position (GRCh38, 1-based): chr20:62,838,694, T>G. VCF-style: chr20-62838694-T-G. GRCh37 (hg19) VCF-style: chr20-61470046-T-G.
Other names: c.1797T>G (NM_001853.3).
Identifiers: ClinVar variation 1903330 (VCV001903330.7), dbSNP rs892832978, ClinGen allele CA317345795.